The following is an entry in ClinVar:

NM_004329.3(BMPR1A):c.887T>C (p.Ile296Thr)

Gene: BMPR1A (bone morphogenetic protein receptor type 1A; plus strand). Cytogenetic location: 10q23.2.
Variant type: single nucleotide variant.
Coding change: c.887T>C on transcript NM_004329.3 (MANE Select); coding-DNA position 887, T replaced by C.
Protein change: p.Ile296Thr; replaces isoleucine 296 with threonine.
Molecular consequence: missense variant.
Genome position (GRCh38, 1-based): chr10:86,919,190, T>C. VCF-style: chr10-86919190-T-C. GRCh37 (hg19) VCF-style: chr10-88678947-T-C.
Other names: short protein forms I296T.
Identifiers: ClinVar variation 529946 (VCV000529946.11), dbSNP rs1554891022, ClinGen allele CA377459842.

ClinVar aggregate classification (germline): Uncertain significance. Review status: criteria provided, multiple submitters, no conflicts (2 of 4 stars). 2 submissions from 2 submitters: Uncertain significance (2). Last evaluated 2024-03-14.

Conditions:
Hereditary cancer-predisposing syndrome. Also called: Neoplastic Syndromes, Hereditary; Hereditary neoplastic syndrome; Tumor predisposition; Hereditary Cancer Syndrome. Identifiers: Orphanet 140162, MedGen C0027672, MeSH D009386, MONDO:0015356.
Juvenile polyposis syndrome (JPS). Identifiers: Orphanet 2929, MedGen C0345893, MONDO:0017380, OMIM 174900.

Allele frequency attached by ClinVar (database versions not stated): gnomAD exomes below 0.00001.

Submissions (2):

Labcorp Genetics (formerly Invitae), Labcorp
Classification: Uncertain significance for Juvenile polyposis syndrome. Last evaluated: 2024-03-14. Review status: criteria provided, single submitter. Criteria: Invitae Variant Classification Sherloc (09022015). Collection method: clinical testing. Allele origin: germline.
Comment: This sequence change replaces isoleucine, which is neutral and non-polar, with threonine, which is neutral and polar, at codon 296 of the BMPR1A protein (p.Ile296Thr). This variant is not present in population databases (gnomAD no frequency). This variant has not been reported in the literature in individuals affected with BMPR1A-related conditions. ClinVar contains an entry for this variant (Variation ID: 529946). Advanced modeling of protein sequence and biophysical properties (such as structural, functional, and spatial information, amino acid conservation, physicochemical variation, residue mobility, and thermodynamic stability) has been performed at Invitae for this missense variant, however the output from this modeling did not meet the statistical confidence thresholds required to predict the impact of this variant on BMPR1A protein function. In summary, the available evidence is currently insufficient to determine the role of this variant in disease. Therefore, it has been classified as a Variant of Uncertain Significance.

Ambry Genetics
Classification: Uncertain significance for Hereditary cancer-predisposing syndrome. Last evaluated: 2023-10-25. Review status: criteria provided, single submitter. Criteria: Ambry Variant Classification Scheme 2023. Collection method: clinical testing. Allele origin: germline.
Comment: The p.I296T variant (also known as c.887T>C), located in coding exon 8 of the BMPR1A gene, results from a T to C substitution at nucleotide position 887. The isoleucine at codon 296 is replaced by threonine, an amino acid with similar properties. This amino acid position is conserved. In addition, this alteration is predicted to be deleterious by in silico analysis. Since supporting evidence is limited at this time, the clinical significance of this alteration remains unclear.